The following is an entry in ClinVar:

ClinVar aggregate classification (germline): Uncertain significance (1 of 4 stars; one submission).

gnomAD v4.1: 1 of 1,613,794 alleles (0.000062%); highest among the groups gnomAD compares: Non-Finnish European, 0.000085%; no homozygotes.

Submission:

GeneDx
Classification: Uncertain significance. Last evaluated: 2024-12-02. Review status: criteria provided, single submitter. Criteria: GeneDx Variant Classification Process June 2021. Collection method: clinical testing. Allele origin: germline. Affected: yes.
Comment: Not observed at significant frequency in large population cohorts (gnomAD); In silico analysis indicates that this missense variant does not alter protein structure/function; In silico analysis is inconclusive as to whether the variant alters gene splicing. In the absence of RNA/functional studies, the actual effect of this sequence change is unknown.; Has not been previously published as pathogenic or benign to our knowledge

NM_014991.6(WDFY3):c.2408C>T (p.Thr803Ile)

Genes: WDFY3 (WD repeat and FYVE domain containing 3; minus strand), WDFY3-AS1 (WDFY3 antisense RNA 1; plus strand). Cytogenetic location: 4q21.23.
Variant type: single nucleotide variant.
Coding change: c.2408C>T on transcript NM_014991.6 (MANE Select); coding-DNA position 2408, C replaced by T.
Protein change: p.Thr803Ile; replaces threonine 803 with isoleucine.
Molecular consequence: missense variant.
Genome position (GRCh38, 1-based): chr4:84,808,355, G>A on the plus strand (C>T on the coding strand, the complement: WDFY3 is on the minus strand). VCF-style: chr4-84808355-G-A. GRCh37 (hg19) VCF-style: chr4-85729508-G-A.
Other names: short protein forms T803I.
Identifiers: ClinVar variation 3900921 (VCV003900921.1).
Genomic context (GRCh38, chr4:84,808,355, plus strand): 5'-CACACAAATAGAGACTGACTTCTCTTATATGATCAGTACCTTTTCCTGGACAAAGCTGGT[G>A]TACCCCAAGGAGAGGGGAGAGAAGACTCACTTGTCAGGCAAGGAGGGATCTGTTCTGCAC-3'
Protein context (NP_055806.2, residues 793-813): SESSLPSPWG[Thr803Ile]PALSRKRHAY